The following is an entry in ClinVar:

Conditions:
Breast-ovarian cancer, familial, susceptibility to, 1 (BROVCA1). Also called: BRCA1 Hereditary Breast and Ovarian Cancer; OVARIAN CANCER, SUSCEPTIBILITY TO. Identifiers: Orphanet 145, MedGen C2676676, MONDO:0011450, OMIM 604370. Disease mechanism: loss of function.

Submission:

Brotman Baty Institute, University of Washington
No classification provided (evidence only). Condition: Breast-ovarian cancer, familial 1. Review status: no classification provided. Collection method: in vitro. Allele origin: not applicable. Functional consequence: functionally_normal.
ClinVar note: "not provided" was previously submitted as the classification for the variant. However, the classification appeared to be based only on an observation of functional data so it was converted to no classification on 2025-07-30.

NM_007294.4(BRCA1):c.212+7A>T

Gene: BRCA1 (BRCA1 DNA repair associated; minus strand). Cytogenetic location: 17q21.31.
Variant type: single nucleotide variant.
Coding change: c.212+7A>T on transcript NM_007294.4 (MANE Select); 7 bases into the intron after coding-DNA position 212, A replaced by T.
Molecular consequence: intron variant.
Genome position (GRCh38, 1-based): chr17:43,106,449, T>A on the plus strand (A>T on the coding strand, the complement: BRCA1 is on the minus strand). VCF-style: chr17-43106449-T-A. GRCh37 (hg19) VCF-style: chr17-41258466-T-A.
Other names: c.71+7A>T (NM_001408458.1, NM_001407931.1, NM_001407747.1 and 99 more transcripts); c.-218-11589A>T (NM_001407967.1, NM_001407966.1); c.-169-1493A>T (NM_001407959.1, NM_001407962.1, NM_001408512.1 and 4 more transcripts); c.2+29A>T (NM_001407885.1, NM_001407886.1, NM_001407898.1 and 58 more transcripts); c.212+7A>T (NM_001407686.1, NM_001408397.1, NM_001407632.1 and 167 more transcripts); c.81-1493A>T (NM_001408451.1); c.135-1493A>T (NM_001408475.1, NM_001407875.1, NM_001407659.1 and 21 more transcripts).
Identifiers: ClinVar variation 868796 (VCV000868796.3), dbSNP rs762526216, ClinGen allele CA916080872.